The following is an entry in ClinVar:

ClinVar aggregate classification (germline): Uncertain significance (1 of 4 stars; one submission).

Conditions:
Early-infantile DEE. Also called: Ohtahara syndrome; Early infantile epileptic encephalopathy with suppression bursts; Early infantile epileptic encephalopathy. Identifiers: Orphanet 1934, MedGen C0393706, MONDO:0800491.

Submission:

Labcorp Genetics (formerly Invitae), Labcorp
Classification: Uncertain significance for Early-infantile DEE. Last evaluated: 2020-10-25. Review status: criteria provided, single submitter. Criteria: Invitae Variant Classification Sherloc (09022015). Collection method: clinical testing. Allele origin: germline.
Comment: This sequence change replaces glutamic acid with alanine at codon 2116 of the SPTAN1 protein (p.Glu2116Ala). The glutamic acid residue is highly conserved and there is a moderate physicochemical difference between glutamic acid and alanine. This variant is not present in population databases (ExAC no frequency). This variant has not been reported in the literature in individuals with SPTAN1-related conditions. Algorithms developed to predict the effect of missense changes on protein structure and function (SIFT, PolyPhen-2, Align-GVGD) all suggest that this variant is likely to be disruptive, but these predictions have not been confirmed by published functional studies and their clinical significance is uncertain. In summary, the available evidence is currently insufficient to determine the role of this variant in disease. Therefore, it has been classified as a Variant of Uncertain Significance.

NM_001130438.3(SPTAN1):c.6347A>C (p.Glu2116Ala)

Gene: SPTAN1 (spectrin alpha, non-erythrocytic 1; plus strand). Cytogenetic location: 9q34.11.
Variant type: single nucleotide variant.
Coding change: c.6347A>C on transcript NM_001130438.3 (MANE Select); coding-DNA position 6347, A replaced by C.
Protein change: p.Glu2116Ala; replaces glutamic acid 2116 with alanine.
Molecular consequence: missense variant.
Genome position (GRCh38, 1-based): chr9:128,626,458, A>C. VCF-style: chr9-128626458-A-C. GRCh37 (hg19) VCF-style: chr9-131388737-A-C.
Other names: c.6272A>C, p.Glu2091Ala (NM_001195532.2); c.6347A>C, p.Glu2116Ala (NM_001363759.2, NM_001375310.1, NM_001375311.2 and 1 more transcripts); c.6287A>C, p.Glu2096Ala (NM_001363765.2, NM_001375314.2); c.6383A>C, p.Glu2128Ala (NM_001375312.2, NM_001375318.1); c.6332A>C, p.Glu2111Ala (NM_003127.4); short protein forms E2091A, E2096A, E2111A, E2116A, E2128A.
Identifiers: ClinVar variation 1062253 (VCV001062253.10), dbSNP rs2131965544, ClinGen allele CA375088384.
Genomic context (GRCh38, chr9:128,626,458, plus strand): 5'-ACCTCTTCCTGACCTTCGCCAAAAAGGCTTCTGCCTTCAACAGCTGGTTTGAAAATGCAG[A>C]GGAGGACTTAACAGACCCCGTGCGCTGCAACTCCTTGGAAGAAATCAAAGCTTTGCGCGA-3'
Protein context (NP_001123910.1, residues 2106-2126): SAFNSWFENA[Glu2116Ala]EDLTDPVRCN